The following is an entry in ClinVar:

NM_001128148.3(TFRC):c.1094T>C (p.Met365Thr)

Gene: TFRC (transferrin receptor; minus strand). Cytogenetic location: 3q29.
Variant type: single nucleotide variant.
Coding change: c.1094T>C on transcript NM_001128148.3 (MANE Select); coding-DNA position 1094, T replaced by C.
Protein change: p.Met365Thr; replaces methionine 365 with threonine.
Molecular consequence: missense variant.
Genome position (GRCh38, 1-based): chr3:196,065,547, A>G on the plus strand (T>C on the coding strand, the complement: TFRC is on the minus strand). VCF-style: chr3-196065547-A-G. GRCh37 (hg19) VCF-style: chr3-195792418-A-G.
Other names: c.851T>C, p.Met284Thr (NM_001313965.2); c.248T>C, p.Met83Thr (NM_001313966.2); c.1094T>C, p.Met365Thr (NM_003234.4); short protein forms M284T, M365T, M83T.
Identifiers: ClinVar variation 2004047 (VCV002004047.4), dbSNP rs1717663445, ClinGen allele CA355572700.

ClinVar aggregate classification (germline): Uncertain significance (1 of 4 stars; one submission).

Allele frequency attached by ClinVar (database versions not stated): TOPMed below 0.00001.

Submission:

Labcorp Genetics (formerly Invitae), Labcorp
Classification: Uncertain significance. Last evaluated: 2024-02-17. Review status: criteria provided, single submitter. Criteria: Invitae Variant Classification Sherloc (09022015). Collection method: clinical testing. Allele origin: germline.
Comment: This sequence change replaces methionine, which is neutral and non-polar, with threonine, which is neutral and polar, at codon 365 of the TFRC protein (p.Met365Thr). This variant is not present in population databases (gnomAD no frequency). This variant has not been reported in the literature in individuals affected with TFRC-related conditions. ClinVar contains an entry for this variant (Variation ID: 2004047). Advanced modeling of protein sequence and biophysical properties (such as structural, functional, and spatial information, amino acid conservation, physicochemical variation, residue mobility, and thermodynamic stability) performed at Invitae indicates that this missense variant is not expected to disrupt TFRC protein function with a negative predictive value of 80%. In summary, the available evidence is currently insufficient to determine the role of this variant in disease. Therefore, it has been classified as a Variant of Uncertain Significance.